The following is an entry in ClinVar:

NM_006208.3(ENPP1):c.52C>G (p.Arg18Gly)

Gene: ENPP1 (ectonucleotide pyrophosphatase/phosphodiesterase 1; plus strand). Cytogenetic location: 6q23.2.
Variant type: single nucleotide variant.
Coding change: c.52C>G on transcript NM_006208.3 (MANE Select); coding-DNA position 52, C replaced by G.
Protein change: p.Arg18Gly; replaces arginine 18 with glycine.
Molecular consequence: missense variant.
Genome position (GRCh38, 1-based): chr6:131,808,087, C>G. VCF-style: chr6-131808087-C-G. GRCh37 (hg19) VCF-style: chr6-132129227-C-G.
Other names: c.52C>G (NM_006208.2); short protein forms R18G.
Identifiers: ClinVar variation 3605265 (VCV003605265.3).

ClinVar aggregate classification (germline): Uncertain significance. Review status: criteria provided, multiple submitters, no conflicts (2 of 4 stars). 2 submissions from 2 submitters: Uncertain significance (2). Last evaluated 2025-01-24.

Conditions:
Inborn genetic diseases. Identifiers: MedGen C0950123, MeSH D030342.

Submissions (2):

Ambry Genetics
Classification: Uncertain significance for Inborn genetic diseases. Last evaluated: 2025-01-24. Review status: criteria provided, single submitter. Criteria: Ambry Variant Classification Scheme 2023. Collection method: clinical testing. Allele origin: germline.

Labcorp Genetics (formerly Invitae), Labcorp
Classification: Uncertain significance. Last evaluated: 2024-03-14. Review status: criteria provided, single submitter. Criteria: Invitae Variant Classification Sherloc (09022015). Collection method: clinical testing. Allele origin: germline.
Comment: This sequence change replaces arginine, which is basic and polar, with glycine, which is neutral and non-polar, at codon 18 of the ENPP1 protein (p.Arg18Gly). The frequency data for this variant in the population databases is considered unreliable, as metrics indicate insufficient coverage at this position in the gnomAD database. This variant has not been reported in the literature in individuals affected with ENPP1-related conditions. Algorithms developed to predict the effect of missense changes on protein structure and function output the following: SIFT: "Not Available"; PolyPhen-2: "Not Available"; Align-GVGD: "Not Available". The glycine amino acid residue is found in multiple mammalian species, which suggests that this missense change does not adversely affect protein function. In summary, the available evidence is currently insufficient to determine the role of this variant in disease. Therefore, it has been classified as a Variant of Uncertain Significance.